The following is an entry in ClinVar:

NM_004304.5(ALK):c.-4C>T

Gene: ALK (ALK receptor tyrosine kinase; minus strand). Cytogenetic location: 2p23.1.
Variant type: single nucleotide variant.
Coding change: c.-4C>T on transcript NM_004304.5 (MANE Select); 4 bases upstream of the start codon, C replaced by T.
Molecular consequence: 5 prime UTR variant.
Genome position (GRCh38, 1-based): chr2:29,920,663, G>A on the plus strand (C>T on the coding strand, the complement: ALK is on the minus strand). VCF-style: chr2-29920663-G-A. GRCh37 (hg19) VCF-style: chr2-30143529-G-A.
Identifiers: ClinVar variation 4834226 (VCV004834226.1).

ClinVar aggregate classification (germline): Uncertain significance (1 of 4 stars; one submission).

Conditions:
Hereditary cancer-predisposing syndrome. Also called: Neoplastic Syndromes, Hereditary; Tumor predisposition; Hereditary Cancer Syndrome; Hereditary neoplastic syndrome. Identifiers: Orphanet 140162, MedGen C0027672, MeSH D009386, MONDO:0015356.

gnomAD v4.1: 2 of 1,534,392 alleles (0.00013%); highest among the groups gnomAD compares: African/African-American, 0.0014%; no homozygotes.

Submission:

Ambry Genetics
Classification: Uncertain significance for Hereditary cancer-predisposing syndrome. Last evaluated: 2026-01-06. Review status: criteria provided, single submitter. Criteria: Ambry Variant Classification Scheme 2023. Collection method: clinical testing. Allele origin: germline.
Comment: The c.-4C>T variant is located in the 5' untranslated region (5&rsquo; UTR) of the ALK gene. This variant results from a C to T substitution 4 bases upstream from the first translated codon. This nucleotide position is well conserved in available vertebrate species. Based on the available evidence, the clinical significance of this variant remains unclear.